The following is an entry in ClinVar:

NM_000071.3(CBS):c.612G>C (p.Val204=)

Gene: CBS (cystathionine beta-synthase; minus strand). Cytogenetic location: 21q22.3.
Variant type: single nucleotide variant.
Coding change: c.612G>C on transcript NM_000071.3 (MANE Select); coding-DNA position 612, G replaced by C.
Protein change: p.Val204=; no amino-acid change (valine 204 retained).
Molecular consequence: synonymous variant.
Genome position (GRCh38, 1-based): chr21:43,065,441, C>G on the plus strand (G>C on the coding strand, the complement: CBS is on the minus strand). VCF-style: chr21-43065441-C-G. GRCh37 (hg19) VCF-style: chr21-44485551-C-G.
Other names: c.612G>C, p.Val204= (NM_001178008.3, NM_001178009.3, NM_001320298.2); c.297G>C, p.Val99= (NM_001321072.1).
Identifiers: ClinVar variation 264320 (VCV000264320.27), dbSNP rs539670390, ClinGen allele CA10587949.

ClinVar aggregate classification (germline): Likely benign. Review status: criteria provided, multiple submitters, no conflicts (2 of 4 stars). 5 submissions from 5 submitters: Likely benign (5). Last evaluated 2026-09-21.

Conditions:
HYPERHOMOCYSTEINEMIA, THROMBOTIC, CBS-RELATED. Identifiers: MedGen C3150344, OMIM 236200.
Familial thoracic aortic aneurysm and aortic dissection (TAAD). Also called: Thoracic aortic aneurysms and dissections. Identifiers: Orphanet 91387, MedGen C4707243, MONDO:0019625.

Allele frequency attached by ClinVar (database versions not stated): gnomAD 0.00006; TOPMed 0.00002.

Submissions (5):

Molecular Diagnostic Laboratory for Inherited Cardiovascular Disease, Montreal Heart Institute
Classification: Likely benign. Last evaluated: 2026-09-21. Review status: criteria provided, single submitter. Criteria: ACMG Guidelines, 2015. Collection method: clinical testing. Allele origin: germline. Affected: no.
Comment: BP7

Labcorp Genetics (formerly Invitae), Labcorp
Classification: Likely benign for HYPERHOMOCYSTEINEMIA, THROMBOTIC, CBS-RELATED. Last evaluated: 2026-01-05. Review status: criteria provided, single submitter. Criteria: Invitae Variant Classification Sherloc (09022015). Collection method: clinical testing. Allele origin: germline.

GeneDx
Classification: Likely benign. Last evaluated: 2020-11-16. Review status: criteria provided, single submitter. Criteria: GeneDx Variant Classification Process June 2021. Collection method: clinical testing. Allele origin: germline. Affected: yes.

ARUP Laboratories, Molecular Genetics and Genomics, ARUP Laboratories
Classification: Likely benign. Last evaluated: 2018-08-31. Review status: criteria provided, single submitter. Criteria: ARUP Molecular Germline Variant Investigation Process. Collection method: clinical testing. Allele origin: germline.

Ambry Genetics
Classification: Likely benign for Familial thoracic aortic aneurysm and aortic dissection. Last evaluated: 2015-08-28. Review status: criteria provided, single submitter. Criteria: Ambry Variant Classification Scheme 2023. Collection method: clinical testing. Allele origin: germline.